The following is an entry in ClinVar:

ClinVar aggregate classification (germline): Uncertain significance (1 of 4 stars; one submission).

Submission:

GeneDx
Classification: Uncertain significance. Last evaluated: 2020-02-24. Review status: criteria provided, single submitter. Criteria: GeneDx Variant Classification Process June 2021. Collection method: clinical testing. Allele origin: germline. Affected: yes.
Comment: Not observed in large population cohorts (Lek 2016); In silico analysis supports that this missense variant has a deleterious effect on protein structure/function; Has not been previously published as pathogenic or benign to our knowledge

NM_000051.4(ATM):c.8376G>T (p.Arg2792Ser)

Genes: ATM (ATM serine/threonine kinase; plus strand), C11orf65 (chromosome 11 open reading frame 65; minus strand). Cytogenetic location: 11q22.3.
Variant type: single nucleotide variant.
Coding change: c.8376G>T on transcript NM_000051.4 (MANE Select); coding-DNA position 8376, G replaced by T.
Protein change: p.Arg2792Ser; replaces arginine 2792 with serine.
Molecular consequence: missense variant. On other transcripts: intron variant (2).
Genome position (GRCh38, 1-based): chr11:108,343,329, G>T. VCF-style: chr11-108343329-G-T. GRCh37 (hg19) VCF-style: chr11-108214056-G-T.
Other names: c.8376G>T, p.Arg2792Ser (NM_001351834.2); c.641-34258C>A (NM_001330368.2); c.695-8037C>A (NM_001351110.2); short protein forms R2792S.
Identifiers: ClinVar variation 1312540 (VCV001312540.4), dbSNP rs2136950175, ClinGen allele CA382516537.